The following is an entry in ClinVar:

NM_017654.4(SAMD9):c.3229C>G (p.Arg1077Gly)

Gene: SAMD9 (sterile alpha motif domain containing 9; minus strand). Cytogenetic location: 7q21.2.
Variant type: single nucleotide variant.
Coding change: c.3229C>G on transcript NM_017654.4 (MANE Select); coding-DNA position 3229, C replaced by G.
Protein change: p.Arg1077Gly; replaces arginine 1077 with glycine.
Molecular consequence: missense variant.
Genome position (GRCh38, 1-based): chr7:93,102,869, G>C on the plus strand (C>G on the coding strand, the complement: SAMD9 is on the minus strand). VCF-style: chr7-93102869-G-C. GRCh37 (hg19) VCF-style: chr7-92732182-G-C.
Other names: c.3229C>G, p.Arg1077Gly (NM_001193307.2); short protein forms R1077G.
Identifiers: ClinVar variation 3949648 (VCV003949648.1).
Genomic context (GRCh38, chr7:93,102,869, plus strand): 5'-TCTTTTTAATGTAGAAATGTCTTGCCAACGCTTGGCAAATGAATGCATTTGGGTTGAACC[G>C]ATGGATACTTTCAAGCAATACAGCTTCAACTGCTTCATTTCCTTCATCTTTATGTAATGC-3'
Protein context (NP_060124.2, residues 1067-1087): VEAVLLESIH[Arg1077Gly]FNPNAFICQA

ClinVar aggregate classification (germline): Uncertain significance (1 of 4 stars; one submission).

Conditions:
Inborn genetic diseases. Identifiers: MedGen C0950123, MeSH D030342.

Submission:

Ambry Genetics
Classification: Uncertain significance for Inborn genetic diseases. Last evaluated: 2025-05-19. Review status: criteria provided, single submitter. Criteria: Ambry Variant Classification Scheme 2023. Collection method: clinical testing. Allele origin: germline.
Comment: The p.R1077G variant (also known as c.3229C>G), located in coding exon 1 of the SAMD9 gene, results from a C to G substitution at nucleotide position 3229. The arginine at codon 1077 is replaced by glycine, an amino acid with dissimilar properties. This amino acid position is conserved. In addition, the in silico prediction for this alteration is inconclusive. Based on the available evidence, the clinical significance of this variant remains unclear.